The following is an entry in ClinVar:

NM_000075.4(CDK4):c.632+7del

Gene: CDK4 (cyclin dependent kinase 4; minus strand). Cytogenetic location: 12q14.1.
Variant type: Deletion.
Coding change: c.632+7del on transcript NM_000075.4 (MANE Select); 7 bases into the intron after coding-DNA position 632, one base deleted (G; older notation c.632+7delG).
Molecular consequence: intron variant.
Genome position (GRCh38, 1-based): chr12:57,750,649, C deleted on the plus strand (G on the coding strand, the reverse complement: CDK4 is on the minus strand); the first of 3 consecutive C bases (chr12:57,750,649-57,750,651); deleting any one gives the same sequence. VCF-style (leftmost placement, unchanged base first): chr12-57750648-TC-T. GRCh37 (hg19) VCF-style: chr12-58144431-TC-T.
Identifiers: ClinVar variation 3378454 (VCV003378454.1).
Genomic context (GRCh38, chr12:57,750,648, plus strand): 5'-TATGGATGTGGTTTATGAACAAGCGATTTGGGGAATTCAAGGTAGTCCAGGGTATGTGGG[TC>T]CCATACTTTCGACGAAACATCTCTGCAAAGATACAGCCAACACTCCACATGTCCACAGGT-3'

ClinVar aggregate classification (germline): Likely benign (1 of 4 stars; one submission).

Conditions:
Melanoma, cutaneous malignant, susceptibility to, 3. Also called: Cutaneous malignant melanoma 3. Identifiers: Orphanet 618, MedGen C1836892, MONDO:0012183, OMIM 609048.

Submission:

Myriad Genetics, Inc.
Classification: Likely benign for Melanoma, cutaneous malignant, susceptibility to, 3. Last evaluated: 2024-09-26. Review status: criteria provided, single submitter. Criteria: Myriad Autosomal Dominant, Autosomal Recessive and X-Linked Classification Criteria (2023). Collection method: clinical testing. Allele origin: unknown.
Comment: This variant is considered likely benign. This variant is intronic and is not expected to impact mRNA splicing.